The following is an entry in ClinVar:

NM_024675.4(PALB2):c.544A>G (p.Ile182Val)

Gene: PALB2 (partner and localizer of BRCA2; minus strand). Cytogenetic location: 16p12.2.
Variant type: single nucleotide variant.
Coding change: c.544A>G on transcript NM_024675.4 (MANE Select); coding-DNA position 544, A replaced by G.
Protein change: p.Ile182Val; replaces isoleucine 182 with valine.
Molecular consequence: missense variant.
Genome position (GRCh38, 1-based): chr16:23,636,002, T>C on the plus strand (A>G on the coding strand, the complement: PALB2 is on the minus strand). VCF-style: chr16-23636002-T-C. GRCh37 (hg19) VCF-style: chr16-23647323-T-C.
Other names: short protein forms I182V.
Identifiers: ClinVar variation 629262 (VCV000629262.9), dbSNP rs1567222712, ClinGen allele CA395136889.
Genomic context (GRCh38, chr16:23,636,002, plus strand): 5'-GACTTAAAAGGTGAGTTCTTATTTCAGTTACTGGTGATCTAGCAGGATTTTTGCTACTGA[T>C]TTCTTCCTGTTCCTTTAGTCTTTTCCCAGACAATCTGAGTGAATCAGTGCCAAAGACACA-3'
Protein context (NP_078951.2, residues 172-192): SGKRLKEQEE[Ile182Val]SSKNPARSPV

ClinVar aggregate classification (germline): Uncertain significance. Review status: criteria provided, multiple submitters, no conflicts (2 of 4 stars). 2 submissions from 2 submitters: Uncertain significance (2). Last evaluated 2022-10-13.

Conditions:
Hereditary cancer-predisposing syndrome. Also called: Neoplastic Syndromes, Hereditary; Tumor predisposition; Hereditary neoplastic syndrome; Hereditary Cancer Syndrome. Identifiers: Orphanet 140162, MedGen C0027672, MeSH D009386, MONDO:0015356.
Familial cancer of breast. Also called: BREAST CANCER, FAMILIAL; Hereditary breast cancer; hereditary breast carcinoma. Identifiers: Orphanet 227535, MedGen C0346153, MONDO:0016419, OMIM 114480. Disease mechanism: loss of function.

Allele frequency attached by ClinVar (database versions not stated): gnomAD exomes below 0.00001.
gnomAD v4.1: 3 of 1,614,176 alleles (0.00019%); highest among the groups gnomAD compares: Non-Finnish European, 0.00025%; no homozygotes.

Submissions (2):

Labcorp Genetics (formerly Invitae), Labcorp
Classification: Uncertain significance for Familial cancer of breast. Last evaluated: 2022-10-13. Review status: criteria provided, single submitter. Criteria: Invitae Variant Classification Sherloc (09022015). Collection method: clinical testing. Allele origin: germline.
Comment: In summary, the available evidence is currently insufficient to determine the role of this variant in disease. Therefore, it has been classified as a Variant of Uncertain Significance. Algorithms developed to predict the effect of missense changes on protein structure and function output the following: SIFT: "Tolerated"; PolyPhen-2: "Benign"; Align-GVGD: "Class C0". The valine amino acid residue is found in multiple mammalian species, which suggests that this missense change does not adversely affect protein function. ClinVar contains an entry for this variant (Variation ID: 629262). This variant has not been reported in the literature in individuals affected with PALB2-related conditions. This variant is not present in population databases (gnomAD no frequency). This sequence change replaces isoleucine, which is neutral and non-polar, with valine, which is neutral and non-polar, at codon 182 of the PALB2 protein (p.Ile182Val).

Color Diagnostics, LLC DBA Color Health
Classification: Uncertain significance for Hereditary cancer-predisposing syndrome. Last evaluated: 2018-09-18. Review status: criteria provided, single submitter. Criteria: ACMG Guidelines, 2015. Collection method: clinical testing. Allele origin: germline.